The following is an entry in ClinVar:

NM_000368.5(TSC1):c.2897A>G (p.Tyr966Cys)

Gene: TSC1 (TSC complex subunit 1; minus strand). Cytogenetic location: 9q34.13.
Variant type: single nucleotide variant.
Coding change: c.2897A>G on transcript NM_000368.5 (MANE Select); coding-DNA position 2897, A replaced by G.
Protein change: p.Tyr966Cys; replaces tyrosine 966 with cysteine.
Molecular consequence: missense variant.
Genome position (GRCh38, 1-based): chr9:132,897,262, T>C on the plus strand (A>G on the coding strand, the complement: TSC1 is on the minus strand). VCF-style: chr9-132897262-T-C. GRCh37 (hg19) VCF-style: chr9-135772649-T-C.
Other names: c.2897A>G (NM_000368.4); c.2894A>G, p.Tyr965Cys (NM_001162426.2); c.2744A>G, p.Tyr915Cys (NM_001162427.2); c.2534A>G, p.Tyr845Cys (NM_001362177.2); short protein forms Y845C, Y966C, Y915C, Y965C.
Identifiers: ClinVar variation 1346786 (VCV001346786.12), dbSNP rs762213436, ClinGen allele CA034941.

ClinVar aggregate classification (germline): Conflicting classifications of pathogenicity. Review status: criteria provided, conflicting classifications (1 of 4 stars). 4 submissions from 4 submitters: Uncertain significance (3); Likely benign (1). Last evaluated 2025-08-06.

Conditions:
Isolated focal cortical dysplasia type II (FCORD2). Also called: Focal cortical dysplasia type II; CORTICAL DYSPLASIA OF TAYLOR. Identifiers: Orphanet 268994, MedGen C1846385, MONDO:0011818, OMIM 607341, HP:0032051.
Lymphangiomyomatosis (LAM). Also called: Lymphangioleiomyomatosis; Lymphangioleiomyomatosis, somatic. Identifiers: Orphanet 538, MedGen C0751674, MONDO:0011705, OMIM 606690.
Tuberous sclerosis 1 (TSC1). Identifiers: Orphanet 805, MedGen C1854465, MONDO:0008612, OMIM 191100.
Hereditary cancer-predisposing syndrome. Also called: Hereditary Cancer Syndrome; Neoplastic Syndromes, Hereditary; Tumor predisposition; Hereditary neoplastic syndrome. Identifiers: Orphanet 140162, MedGen C0027672, MeSH D009386, MONDO:0015356.

Allele frequency attached by ClinVar (database versions not stated): gnomAD exomes below 0.00001 and 0.00001; TOPMed below 0.00001; ExAC 0.00002.
gnomAD v4.1: 7 of 1,614,258 alleles (0.00043%); highest among the groups gnomAD compares: South Asian, 0.0011%; no homozygotes.

Submissions (4):

Labcorp Genetics (formerly Invitae), Labcorp
Classification: Likely benign for Tuberous sclerosis 1. Last evaluated: 2025-08-06. Review status: criteria provided, single submitter. Criteria: Invitae Variant Classification Sherloc (09022015). Collection method: clinical testing. Allele origin: germline.

Ambry Genetics
Classification: Uncertain significance for Hereditary cancer-predisposing syndrome. Last evaluated: 2025-05-19. Review status: criteria provided, single submitter. Criteria: Ambry Variant Classification Scheme 2023. Collection method: clinical testing. Allele origin: germline.
Comment: The p.Y966C variant (also known as c.2897A>G), located in coding exon 20 of the TSC1 gene, results from an A to G substitution at nucleotide position 2897. The tyrosine at codon 966 is replaced by cysteine, an amino acid with highly dissimilar properties. This amino acid position is well conserved in available vertebrate species. In addition, this alteration is predicted to be deleterious by in silico analysis. Since supporting evidence is limited at this time, the clinical significance of this alteration remains unclear.

GeneDx
Classification: Uncertain significance. Last evaluated: 2023-11-06. Review status: criteria provided, single submitter. Criteria: GeneDx Variant Classification Process June 2021. Collection method: clinical testing. Allele origin: germline. Affected: yes.
Comment: In silico analysis supports that this missense variant has a deleterious effect on protein structure/function; Has not been previously published as pathogenic or benign to our knowledge; This variant is associated with the following publications: (PMID: 18466115)

Fulgent Genetics
Classification: Uncertain significance for Tuberous sclerosis 1; Lymphangiomyomatosis; Isolated focal cortical dysplasia type II. Last evaluated: 2021-09-20. Review status: criteria provided, single submitter. Criteria: ACMG Guidelines, 2015. Collection method: clinical testing. Allele origin: unknown.